The following is an entry in ClinVar:

ClinVar aggregate classification (germline): Uncertain significance (1 of 4 stars; one submission).

Conditions:
Long QT syndrome (LQTS). Identifiers: MedGen C0023976, MeSH D008133, MONDO:0002442. Disease mechanism: loss of function. Inheritance: Various modes of inheritance.

Allele frequency attached by ClinVar (database versions not stated): gnomAD exomes below 0.00001.
gnomAD v4.1: 1 of 1,612,384 alleles (0.000062%); highest among the groups gnomAD compares: Non-Finnish European, 0.000085%; no homozygotes.

Submission:

Labcorp Genetics (formerly Invitae), Labcorp
Classification: Uncertain significance for Long QT syndrome. Last evaluated: 2023-02-18. Review status: criteria provided, single submitter. Criteria: Invitae Variant Classification Sherloc (09022015). Collection method: clinical testing. Allele origin: germline.
Comment: This variant has not been reported in the literature in individuals affected with AKAP9-related conditions. An algorithm developed to predict the effect of missense changes on protein structure and function (PolyPhen-2) suggests that this variant is likely to be disruptive. In summary, the available evidence is currently insufficient to determine the role of this variant in disease. Therefore, it has been classified as a Variant of Uncertain Significance. This sequence change replaces lysine, which is basic and polar, with threonine, which is neutral and polar, at codon 691 of the AKAP9 protein (p.Lys691Thr). This variant is present in population databases (no rsID available, gnomAD 0.0009%).

NM_005751.5(AKAP9):c.2072A>C (p.Lys691Thr)

Gene: AKAP9 (A-kinase anchoring protein 9; plus strand). Cytogenetic location: 7q21.2.
Variant type: single nucleotide variant.
Coding change: c.2072A>C on transcript NM_005751.5 (MANE Select); coding-DNA position 2072, A replaced by C.
Protein change: p.Lys691Thr; replaces lysine 691 with threonine.
Molecular consequence: missense variant.
Genome position (GRCh38, 1-based): chr7:92,001,989, A>C. VCF-style: chr7-92001989-A-C. GRCh37 (hg19) VCF-style: chr7-91631303-A-C.
Other names: c.2072A>C, p.Lys691Thr (NM_147185.3); short protein forms K691T.
Identifiers: ClinVar variation 2838665 (VCV002838665.3), dbSNP rs1397544794, ClinGen allele CA368123261.